The following is an entry in ClinVar:

NM_001379451.1(BCORL1):c.3987G>T (p.Arg1329Ser)

Gene: BCORL1 (BCL6 corepressor like 1; plus strand). Cytogenetic location: Xq26.1.
Variant type: single nucleotide variant.
Coding change: c.3987G>T on transcript NM_001379451.1 (MANE Select); coding-DNA position 3987, G replaced by T.
Protein change: p.Arg1329Ser; replaces arginine 1329 with serine.
Molecular consequence: missense variant.
Genome position (GRCh38, 1-based): chrX:130,025,288, G>T. VCF-style: chrX-130025288-G-T. GRCh37 (hg19) VCF-style: chrX-129159263-G-T.
Other names: c.3987G>T, p.Arg1329Ser (NM_001184772.3, NM_001379450.1, NM_021946.5); short protein forms R1329S.
Identifiers: ClinVar variation 1334559 (VCV001334559.4), dbSNP rs2124489249, ClinGen allele CA414598802.
Genomic context (GRCh38, chrX:130,025,288, plus strand): 5'-GCAAATGTGGGACACCAATGAGGAGGAGGAGGAAGAAGAGGAGGAGGGCCTGCTGAAGAG[G>T]AAGAAACGAAGACGGCAGAAGAGCCGAAAATATCAGACTGGGGAGTACCTGACAGAGCAA-3'
Protein context (NP_001366380.1, residues 1319-1339): EEEEEEGLLK[Arg1329Ser]KKRRRQKSRK

ClinVar aggregate classification (germline): Uncertain significance (1 of 4 stars; one submission).

Submission:

Greenwood Genetic Center Diagnostic Laboratories, Greenwood Genetic Center
Classification: Uncertain significance. Last evaluated: 2021-08-05. Review status: criteria provided, single submitter. Criteria: ACMG Guidelines, 2015. Collection method: clinical testing. Allele origin: germline. Affected: yes.
Comment: PP3, PM2